The following is an entry in ClinVar:

NM_015311.3(OBSL1):c.2723T>C (p.Val908Ala)

Gene: OBSL1 (obscurin like cytoskeletal adaptor 1; minus strand). Cytogenetic location: 2q35.
Variant type: single nucleotide variant.
Coding change: c.2723T>C on transcript NM_015311.3 (MANE Select); coding-DNA position 2723, T replaced by C.
Protein change: p.Val908Ala; replaces valine 908 with alanine.
Molecular consequence: missense variant.
Genome position (GRCh38, 1-based): chr2:219,562,632, A>G on the plus strand (T>C on the coding strand, the complement: OBSL1 is on the minus strand). VCF-style: chr2-219562632-A-G. GRCh37 (hg19) VCF-style: chr2-220427354-A-G.
Other names: c.2723T>C, p.Val908Ala (NM_001173408.2, NM_001173431.2); short protein forms V908A.
Identifiers: ClinVar variation 3605868 (VCV003605868.2).
Genomic context (GRCh38, chr2:219,562,632, plus strand): 5'-TCTGCCCAGGGCCGGCATAGCTCACAGGTCAGCACCACACGCTCCAGGCGCACGGCTGCC[A>G]CATACACCTTGCCGCTGGGATACACGATCCACGAGGAGACGTCTGGAGGACAGGGACAGC-3'
Protein context (NP_056126.1, residues 898-918): WIVYPSGKVY[Val908Ala]AAVRLERVVL

ClinVar aggregate classification (germline): Uncertain significance (1 of 4 stars; one submission).

gnomAD v4.1: 18 of 1,582,222 alleles (0.0011%); highest among the groups gnomAD compares: South Asian, 0.021%; no homozygotes.

Submission:

Labcorp Genetics (formerly Invitae), Labcorp
Classification: Uncertain significance. Last evaluated: 2025-01-30. Review status: criteria provided, single submitter. Criteria: Invitae Variant Classification Sherloc (09022015). Collection method: clinical testing. Allele origin: germline.
Comment: This sequence change replaces valine, which is neutral and non-polar, with alanine, which is neutral and non-polar, at codon 908 of the OBSL1 protein (p.Val908Ala). This variant is present in population databases (no rsID available, gnomAD 0.02%). This variant has not been reported in the literature in individuals affected with OBSL1-related conditions. An algorithm developed to predict the effect of missense changes on protein structure and function (PolyPhen-2) suggests that this variant is likely to be disruptive. In summary, the available evidence is currently insufficient to determine the role of this variant in disease. Therefore, it has been classified as a Variant of Uncertain Significance.